The following is an entry in ClinVar:

ClinVar aggregate classification (germline): Uncertain significance. Review status: criteria provided, multiple submitters, no conflicts (2 of 4 stars). 2 submissions from 2 submitters: Uncertain significance (2). Last evaluated 2026-03-26.

Conditions:
Charcot-Marie-Tooth disease type 4. Also called: Charcot-Marie-Tooth disease, type IV; Charcot-Marie-Tooth, Type 4. Identifiers: Orphanet 64749, MedGen C4082197, MONDO:0018995.
PRX-related disorder. Also called: PRX-Related Disorders; PRX-related condition.

gnomAD v4.1: 4 of 1,559,206 alleles (0.00026%); highest among the groups gnomAD compares: Admixed American, 0.0077%; no homozygotes.

Submissions (2):

PreventionGenetics, part of Exact Sciences
Classification: Uncertain significance for PRX-related condition. Last evaluated: 2026-03-26. Review status: criteria provided, single submitter. Criteria: ACMG Guidelines, 2015. Collection method: clinical testing. Allele origin: germline.
Comment: The PRX c.631G>T variant is predicted to result in the amino acid substitution p.Ala211Ser. To our knowledge, this variant has not been reported in the literature. This variant is reported in 0.0076% of alleles in individuals of Latino descent in gnomAD. At this time, the clinical significance of this variant is uncertain due to the absence of conclusive functional and genetic evidence.

Labcorp Genetics (formerly Invitae), Labcorp
Classification: Uncertain significance for Charcot-Marie-Tooth disease type 4. Last evaluated: 2017-09-20. Review status: criteria provided, single submitter. Criteria: Invitae Variant Classification Sherloc (09022015). Collection method: clinical testing. Allele origin: germline.
Comment: This sequence change replaces alanine with serine at codon 211 of the PRX protein (p.Ala211Ser). The alanine residue is moderately conserved and there is a moderate physicochemical difference between alanine and serine. The frequency data for this variant in the population databases is considered unreliable, as metrics indicate poor data quality at this position in the ExAC database. This variant has not been reported in the literature in individuals with PRX-related disease. Algorithms developed to predict the effect of missense changes on protein structure and function do not agree on the potential impact of this missense change (SIFT: "Tolerated"; PolyPhen-2: "Possibly Damaging"; Align-GVGD: "Class C0"). In summary, the available evidence is currently insufficient to determine the role of this variant in disease. Therefore, it has been classified as a Variant of Uncertain Significance.

NM_181882.3(PRX):c.631G>T (p.Ala211Ser)

Gene: PRX (periaxin; minus strand). Cytogenetic location: 19q13.2.
Variant type: single nucleotide variant.
Coding change: c.631G>T on transcript NM_181882.3 (MANE Select); coding-DNA position 631, G replaced by T.
Protein change: p.Ala211Ser; replaces alanine 211 with serine.
Molecular consequence: missense variant. On other transcripts: 3 prime UTR variant (1).
Genome position (GRCh38, 1-based): chr19:40,397,721, C>A on the plus strand (G>T on the coding strand, the complement: PRX is on the minus strand). VCF-style: chr19-40397721-C-A. GRCh37 (hg19) VCF-style: chr19-40903628-C-A.
Other names: c.*836G>T (NM_020956.2); short protein forms A211S.
Identifiers: ClinVar variation 543394 (VCV000543394.9), dbSNP rs112973322, ClinGen allele CA9444407.